The following is an entry in ClinVar:

ClinVar aggregate classification (germline): Uncertain significance (1 of 4 stars; one submission).

Conditions:
Idiopathic generalized epilepsy. Also called: EIG; Generalised epilepsy. Identifiers: MedGen C0270850, MONDO:0005579, OMIM 600669.
Hyperaldosteronism, familial, type IV (HALD4). Also called: FH IV; ALDOSTERONISM, PRIMARY, AND HYPERTENSION. Identifiers: Orphanet 642671, MedGen C4310756, MONDO:0014875, OMIM 617027.

Submission:

Labcorp Genetics (formerly Invitae), Labcorp
Classification: Uncertain significance for Idiopathic generalized epilepsy; Hyperaldosteronism, familial, type IV. Last evaluated: 2021-12-02. Review status: criteria provided, single submitter. Criteria: Invitae Variant Classification Sherloc (09022015). Collection method: clinical testing. Allele origin: germline.
Comment: In summary, the available evidence is currently insufficient to determine the role of this variant in disease. Therefore, it has been classified as a Variant of Uncertain Significance. Algorithms developed to predict the effect of sequence changes on RNA splicing suggest that this variant may create or strengthen a splice site. Advanced modeling of protein sequence and biophysical properties (such as structural, functional, and spatial information, amino acid conservation, physicochemical variation, residue mobility, and thermodynamic stability) performed at Invitae indicates that this missense variant is not expected to disrupt CACNA1H protein function. This variant has not been reported in the literature in individuals affected with CACNA1H-related conditions. This variant is not present in population databases (gnomAD no frequency). This sequence change replaces alanine, which is neutral and non-polar, with valine, which is neutral and non-polar, at codon 507 of the CACNA1H protein (p.Ala507Val).

NM_021098.3(CACNA1H):c.1520C>T (p.Ala507Val)

Gene: CACNA1H (calcium voltage-gated channel subunit alpha1 H; plus strand). Cytogenetic location: 16p13.3.
Variant type: single nucleotide variant.
Coding change: c.1520C>T on transcript NM_021098.3 (MANE Select); coding-DNA position 1520, C replaced by T.
Protein change: p.Ala507Val; replaces alanine 507 with valine.
Molecular consequence: missense variant.
Genome position (GRCh38, 1-based): chr16:1,201,970, C>T. VCF-style: chr16-1201970-C-T. GRCh37 (hg19) VCF-style: chr16-1251970-C-T.
Other names: c.1520C>T, p.Ala507Val (NM_001005407.2); short protein forms A507V.
Identifiers: ClinVar variation 1375021 (VCV001375021.6), dbSNP rs2141257602, ClinGen allele CA394161129.